The following is an entry in ClinVar:

ClinVar aggregate classification (germline): Uncertain significance (1 of 4 stars; one submission).

gnomAD v4.1: 1 of 1,614,188 alleles (0.000062%); highest among the groups gnomAD compares: Non-Finnish European, 0.000085%; no homozygotes.

Submission:

Labcorp Genetics (formerly Invitae), Labcorp
Classification: Uncertain significance. Last evaluated: 2024-02-05. Review status: criteria provided, single submitter. Criteria: Invitae Variant Classification Sherloc (09022015). Collection method: clinical testing. Allele origin: germline.
Comment: This sequence change replaces phenylalanine, which is neutral and non-polar, with leucine, which is neutral and non-polar, at codon 115 of the FBLN5 protein (p.Phe115Leu). This variant is not present in population databases (gnomAD no frequency). This variant has not been reported in the literature in individuals affected with FBLN5-related conditions. Advanced modeling of protein sequence and biophysical properties (such as structural, functional, and spatial information, amino acid conservation, physicochemical variation, residue mobility, and thermodynamic stability) performed at Invitae indicates that this missense variant is not expected to disrupt FBLN5 protein function with a negative predictive value of 80%. In summary, the available evidence is currently insufficient to determine the role of this variant in disease. Therefore, it has been classified as a Variant of Uncertain Significance.

NM_006329.4(FBLN5):c.343T>C (p.Phe115Leu)

Gene: FBLN5 (fibulin 5; minus strand). Cytogenetic location: 14q32.12.
Variant type: single nucleotide variant.
Coding change: c.343T>C on transcript NM_006329.4 (MANE Select); coding-DNA position 343, T replaced by C.
Protein change: p.Phe115Leu; replaces phenylalanine 115 with leucine.
Molecular consequence: missense variant.
Genome position (GRCh38, 1-based): chr14:91,936,983, A>G on the plus strand (T>C on the coding strand, the complement: FBLN5 is on the minus strand). VCF-style: chr14-91936983-A-G. GRCh37 (hg19) VCF-style: chr14-92403327-A-G.
Other names: c.466T>C, p.Phe156Leu (NM_001384158.1); c.394T>C, p.Phe132Leu (NM_001384159.1); c.343T>C, p.Phe115Leu (NM_001384160.1); c.175T>C, p.Phe59Leu (NM_001384161.1, NM_001384162.1); short protein forms F156L, F115L, F132L, F59L.
Identifiers: ClinVar variation 3694303 (VCV003694303.2).
Genomic context (GRCh38, chr14:91,936,983, plus strand): 5'-GGAACAAAAGGCCGGGCTACTCACCCACACATTGGTTGCTTTCATCCATCTGGTATCCAA[A>G]GCGGCATATAAGAGGCCTGGAGATCGTGGGATAGTTTGGAGCTGAGAGTGGTGGGGCAGC-3'
Protein context (NP_006320.2, residues 105-125): PTISRPLICR[Phe115Leu]GYQMDESNQC